The following is an entry in ClinVar:

ClinVar aggregate classification (germline): Uncertain significance (1 of 4 stars; one submission).

Allele frequency attached by ClinVar (database versions not stated): TOPMed below 0.00001; gnomAD exomes 0.00001.

Submission:

Labcorp Genetics (formerly Invitae), Labcorp
Classification: Uncertain significance. Last evaluated: 2023-07-08. Review status: criteria provided, single submitter. Criteria: Invitae Variant Classification Sherloc (09022015). Collection method: clinical testing. Allele origin: germline.
Comment: In summary, the available evidence is currently insufficient to determine the role of this variant in disease. Therefore, it has been classified as a Variant of Uncertain Significance. Advanced modeling of protein sequence and biophysical properties (such as structural, functional, and spatial information, amino acid conservation, physicochemical variation, residue mobility, and thermodynamic stability) has been performed at Invitae for this missense variant, however the output from this modeling did not meet the statistical confidence thresholds required to predict the impact of this variant on EXOSC8 protein function. ClinVar contains an entry for this variant (Variation ID: 1901485). This variant has not been reported in the literature in individuals affected with EXOSC8-related conditions. This variant is not present in population databases (gnomAD no frequency). This sequence change replaces alanine, which is neutral and non-polar, with valine, which is neutral and non-polar, at codon 158 of the EXOSC8 protein (p.Ala158Val).

NM_181503.3(EXOSC8):c.473C>T (p.Ala158Val)

Gene: EXOSC8 (exosome component 8; plus strand). Cytogenetic location: 13q13.3.
Variant type: single nucleotide variant.
Coding change: c.473C>T on transcript NM_181503.3 (MANE Select); coding-DNA position 473, C replaced by T.
Protein change: p.Ala158Val; replaces alanine 158 with valine.
Molecular consequence: missense variant.
Genome position (GRCh38, 1-based): chr13:37,007,057, C>T. VCF-style: chr13-37007057-C-T. GRCh37 (hg19) VCF-style: chr13-37581194-C-T.
Other names: short protein forms A158V.
Identifiers: ClinVar variation 1901485 (VCV001901485.5), dbSNP rs2059143900, ClinGen allele CA387869326.
Genomic context (GRCh38, chr13:37,007,057, plus strand): 5'-ATCTCATTTGCCTCGACTACGATGGAAACATTTTGGATGCCTGCACATTTGCTTTGCTAG[C>T]GGCTTTAAAAAATGGTAAGCAGCCTTACAAAAAAGGCAATATTCCCACTCATGGGTTAGA-3'
Protein context (NP_852480.1, residues 148-168): ILDACTFALL[Ala158Val]ALKNVQLPEV